The following is an entry in ClinVar:

ClinVar aggregate classification (germline): Uncertain significance (1 of 4 stars; one submission).

Conditions:
Phelan-McDermid syndrome. Also called: TELOMERIC 22q13 MONOSOMY SYNDROME; 22q13.3 deletion syndrome; Phelan-McDermid Syndrome-SHANK3 Related. Identifiers: Orphanet 48652, MedGen C1853490, MONDO:0011652, OMIM 606232.

Submission:

Victorian Clinical Genetics Services, Murdoch Childrens Research Institute
Classification: Uncertain significance for Phelan-McDermid syndrome. Last evaluated: 2025-01-20. Review status: criteria provided, single submitter. Criteria: ACMG Guidelines, 2015. Collection method: clinical testing. Allele origin: germline. Affected: yes.
Comment: This variant is classified as VUS-3A. Evidence in support of pathogenic classification: Variant is present in gnomAD <0.001 for a dominant condition (v4: 1 heterozygote(s), 0 homozygote(s)); Evidence in support of benign classification: Missense variant predicted to be tolerated by in silico tool(s) or not conserved in placental mammals with a minor amino acid change. Additional information: Variant is predicted to result in a missense amino acid change from histidine to glutamine; This variant is heterozygous; This gene is associated with autosomal dominant disease; Alternative amino acid change(s) at the same position are present in gnomAD (Highest allele count: v4: 1 heterozygote(s), 0 homozygote(s)); This variant has no previous evidence of pathogenicity; No published segregation evidence has been identified for this variant; No published functional evidence has been identified for this variant; No comparable missense variants have previous evidence for pathogenicity; Variant is not located in an established domain, motif, hotspot or informative constraint region; Loss of function is a known mechanism of disease in this gene and is associated with Phelan-McDermid syndrome (MIM#606232).

NM_001372044.2(SHANK3):c.5040C>G (p.Pro1680=)

Gene: SHANK3 (SH3 and multiple ankyrin repeat domains 3; plus strand). Cytogenetic location: 22q13.33.
Variant type: single nucleotide variant.
Coding change: c.5040C>G on transcript NM_001372044.2 (MANE Select); coding-DNA position 5040, C replaced by G.
Protein change: p.Pro1680=; no amino-acid change (proline 1680 retained).
Molecular consequence: synonymous variant.
Genome position (GRCh38, 1-based): chr22:50,730,931, C>G. VCF-style: chr22-50730931-C-G. GRCh37 (hg19) VCF-style: chr22-51169359-C-G.
Identifiers: ClinVar variation 4531858 (VCV004531858.1).